The following is an entry in ClinVar:

ClinVar aggregate classification (germline): Uncertain significance (1 of 4 stars; one submission).

Conditions:
Hereditary cancer-predisposing syndrome. Also called: Neoplastic Syndromes, Hereditary; Tumor predisposition; Hereditary Cancer Syndrome; Hereditary neoplastic syndrome. Identifiers: Orphanet 140162, MedGen C0027672, MeSH D009386, MONDO:0015356.

Submission:

Ambry Genetics
Classification: Uncertain significance for Hereditary cancer-predisposing syndrome. Last evaluated: 2026-03-02. Review status: criteria provided, single submitter. Criteria: Ambry Variant Classification Scheme 2023. Collection method: clinical testing. Allele origin: germline.
Comment: The p.S715R variant (also known as c.2145C>G), located in coding exon 15 of the KIT gene, results from a C to G substitution at nucleotide position 2145. The serine at codon 715 is replaced by arginine, an amino acid with dissimilar properties. This amino acid position is conserved. In addition, this alteration is predicted to be tolerated by in silico analysis. Based on the available evidence, the clinical significance of this variant remains unclear.

NM_000222.3(KIT):c.2145C>G (p.Ser715Arg)

Gene: KIT (KIT proto-oncogene, receptor tyrosine kinase; plus strand). Cytogenetic location: 4q12.
Variant type: single nucleotide variant.
Coding change: c.2145C>G on transcript NM_000222.3 (MANE Select); coding-DNA position 2145, C replaced by G.
Protein change: p.Ser715Arg; replaces serine 715 with arginine.
Molecular consequence: missense variant.
Genome position (GRCh38, 1-based): chr4:54,731,331, C>G. VCF-style: chr4-54731331-C-G. GRCh37 (hg19) VCF-style: chr4-55597497-C-G.
Other names: c.2133C>G, p.Ser711Arg (NM_001093772.2); c.2148C>G, p.Ser716Arg (NM_001385284.1); c.2142C>G, p.Cys714Trp (NM_001385285.1); c.2130C>G, p.Cys710Trp (NM_001385286.1); c.2136C>G, p.Ser712Arg (NM_001385288.1); c.2145C>G, p.Cys715Trp (NM_001385290.1); c.2133C>G, p.Cys711Trp (NM_001385292.1); short protein forms C710W, S712R, S715R, C711W, C715W, S711R, C714W, S716R.
Identifiers: ClinVar variation 4827650 (VCV004827650.1).